The following is an entry in ClinVar:

NM_000709.4(BCKDHA):c.35G>A (p.Arg12Gln)

Gene: BCKDHA (branched chain keto acid dehydrogenase E1 subunit alpha; plus strand). Cytogenetic location: 19q13.2.
Variant type: single nucleotide variant.
Coding change: c.35G>A on transcript NM_000709.4 (MANE Select); coding-DNA position 35, G replaced by A.
Protein change: p.Arg12Gln; replaces arginine 12 with glutamine.
Molecular consequence: missense variant.
Genome position (GRCh38, 1-based): chr19:41,397,862, G>A. VCF-style: chr19-41397862-G-A. GRCh37 (hg19) VCF-style: chr19-41903767-G-A.
Other names: c.35G>A, p.Arg12Gln (NM_001164783.2); short protein forms R12Q.
Identifiers: ClinVar variation 1352999 (VCV001352999.5), dbSNP rs769659202, ClinGen allele CA9460968.

ClinVar aggregate classification (germline): Uncertain significance (1 of 4 stars; one submission).

Conditions:
Maple syrup urine disease (MSUD). Identifiers: Orphanet 511, MedGen C0024776, MeSH D008375, MONDO:0009563. Disease mechanism: loss of function.

gnomAD v4.1: 11 of 1,614,084 alleles (0.00068%); highest among the groups gnomAD compares: Non-Finnish European, 0.00093%; no homozygotes.

Submission:

Labcorp Genetics (formerly Invitae), Labcorp
Classification: Uncertain significance for Maple syrup urine disease. Last evaluated: 2022-07-06. Review status: criteria provided, single submitter. Criteria: Invitae Variant Classification Sherloc (09022015). Collection method: clinical testing. Allele origin: germline.
Comment: This sequence change replaces arginine, which is basic and polar, with glutamine, which is neutral and polar, at codon 12 of the BCKDHA protein (p.Arg12Gln). This variant is present in population databases (rs769659202, gnomAD 0.002%). This variant has not been reported in the literature in individuals affected with BCKDHA-related conditions. ClinVar contains an entry for this variant (Variation ID: 1352999). Advanced modeling of protein sequence and biophysical properties (such as structural, functional, and spatial information, amino acid conservation, physicochemical variation, residue mobility, and thermodynamic stability) performed at Invitae indicates that this missense variant is not expected to disrupt BCKDHA protein function. In summary, the available evidence is currently insufficient to determine the role of this variant in disease. Therefore, it has been classified as a Variant of Uncertain Significance.